The following is an entry in ClinVar:

NM_000051.4(ATM):c.7707T>G (p.Asp2569Glu)

Genes: ATM (ATM serine/threonine kinase; plus strand), C11orf65 (chromosome 11 open reading frame 65; minus strand). Cytogenetic location: 11q22.3.
Variant type: single nucleotide variant.
Coding change: c.7707T>G on transcript NM_000051.4 (MANE Select); coding-DNA position 7707, T replaced by G.
Protein change: p.Asp2569Glu; replaces aspartic acid 2569 with glutamic acid.
Molecular consequence: missense variant. On other transcripts: intron variant (2).
Genome position (GRCh38, 1-based): chr11:108,331,956, T>G. VCF-style: chr11-108331956-T-G. GRCh37 (hg19) VCF-style: chr11-108202683-T-G.
Other names: c.7707T>G, p.Asp2569Glu (NM_001351834.2); c.641-22885A>C (NM_001330368.2); c.*38+3264A>C (NM_001351110.2); short protein forms D2569E.
Identifiers: ClinVar variation 1760242 (VCV001760242.2), dbSNP rs1183350500, ClinGen allele CA382561052.

ClinVar aggregate classification (germline): Uncertain significance (1 of 4 stars; one submission).

Conditions:
Hereditary cancer-predisposing syndrome. Also called: Hereditary neoplastic syndrome; Neoplastic Syndromes, Hereditary; Tumor predisposition; Hereditary Cancer Syndrome. Identifiers: Orphanet 140162, MedGen C0027672, MeSH D009386, MONDO:0015356.

Submission:

Ambry Genetics
Classification: Uncertain significance for Hereditary cancer-predisposing syndrome. Last evaluated: 2015-12-07. Review status: criteria provided, single submitter. Criteria: Ambry Variant Classification Scheme 2023. Collection method: clinical testing. Allele origin: germline.
Comment: The p.D2569E variant (also known as c.7707T>G), located in coding exon 51 of the ATM gene, results from a T to G substitution at nucleotide position 7707. The aspartic acid at codon 2569 is replaced by glutamic acid, an amino acid with highly similar properties. This amino acid position is highly conserved in available vertebrate species. In addition, the in silico prediction for this alteration is inconclusive. Since supporting evidence is limited at this time, the clinical significance of this alteration remains unclear.